The following is an entry in ClinVar:

NM_002382.5(MAX):c.466C>G (p.Arg156Gly)

Gene: MAX (MYC associated transcriptional regulator X; minus strand). Cytogenetic location: 14q23.3.
Variant type: single nucleotide variant.
Coding change: c.466C>G on transcript NM_002382.5 (MANE Select); coding-DNA position 466, C replaced by G.
Protein change: p.Arg156Gly; replaces arginine 156 with glycine.
Molecular consequence: missense variant. On other transcripts: 3 prime UTR variant (1), intron variant (2).
Genome position (GRCh38, 1-based): chr14:65,076,493, G>C on the plus strand (C>G on the coding strand, the complement: MAX is on the minus strand). VCF-style: chr14-65076493-G-C. GRCh37 (hg19) VCF-style: chr14-65543211-G-C.
Other names: c.277C>G, p.Arg93Gly (NM_001320415.2, NM_001407105.1, NM_001407106.1 and 1 more transcripts); c.466C>G, p.Arg156Gly (NM_001407094.1); c.439C>G, p.Arg147Gly (NM_001407095.1, NM_145112.3); c.*239C>G (NM_001407096.1, NM_001407099.1, NM_001407102.1 and 2 more transcripts); c.*255C>G (NM_001407097.1, NM_001407100.1, NM_001407101.1 and 4 more transcripts); c.358C>G, p.Arg120Gly (NM_001407098.1); c.265C>G, p.Arg89Gly (NM_001407111.1, NM_001407112.1); c.144+17215C>G (NM_001271069.2); and 1 more; short protein forms R120G, R147G, R156G, R89G, R93G.
Identifiers: ClinVar variation 1742300 (VCV001742300.2), dbSNP rs768360710, ClinGen allele CA390031141.

ClinVar aggregate classification (germline): Uncertain significance (1 of 4 stars; one submission).

Conditions:
Hereditary cancer-predisposing syndrome. Also called: Hereditary Cancer Syndrome; Hereditary neoplastic syndrome; Neoplastic Syndromes, Hereditary; Tumor predisposition. Identifiers: Orphanet 140162, MedGen C0027672, MeSH D009386, MONDO:0015356.

Submission:

Ambry Genetics
Classification: Uncertain significance for Hereditary cancer-predisposing syndrome. Last evaluated: 2022-04-21. Review status: criteria provided, single submitter. Criteria: Ambry Variant Classification Scheme 2023. Collection method: clinical testing. Allele origin: germline.
Comment: The p.R156G variant (also known as c.466C>G), located in coding exon 5 of the MAX gene, results from a C to G substitution at nucleotide position 466. The arginine at codon 156 is replaced by glycine, an amino acid with dissimilar properties. This amino acid position is conserved. In addition, this alteration is predicted to be deleterious by in silico analysis. Since supporting evidence is limited at this time, the clinical significance of this alteration remains unclear.